The following is an entry in ClinVar:

NM_022089.4(ATP13A2):c.1859T>C (p.Val620Ala)

Gene: ATP13A2 (ATPase cation transporting 13A2; minus strand). Cytogenetic location: 1p36.13.
Variant type: single nucleotide variant.
Coding change: c.1859T>C on transcript NM_022089.4 (MANE Select); coding-DNA position 1859, T replaced by C.
Protein change: p.Val620Ala; replaces valine 620 with alanine.
Molecular consequence: missense variant.
Genome position (GRCh38, 1-based): chr1:16,992,389, A>G on the plus strand (T>C on the coding strand, the complement: ATP13A2 is on the minus strand). VCF-style: chr1-16992389-A-G. GRCh37 (hg19) VCF-style: chr1-17318884-A-G.
Other names: c.1844T>C, p.Val615Ala (NM_001141973.3, NM_001141974.3); short protein forms V615A, V620A.
Identifiers: ClinVar variation 1460808 (VCV001460808.6), dbSNP rs2100782693, ClinGen allele CA338246505.

ClinVar aggregate classification (germline): Uncertain significance (1 of 4 stars; one submission).

Conditions:
Kufor-Rakeb syndrome (KRS). Also called: PARKINSON DISEASE 9, AUTOSOMAL RECESSIVE, JUVENILE-ONSET. Identifiers: Orphanet 306674, Orphanet 314632, MedGen C1847640, MONDO:0011706, OMIM 606693.
Autosomal recessive spastic paraplegia type 78. Identifiers: Orphanet 513436, MedGen C5567893, MONDO:0014975, OMIM 617225.

Submission:

Labcorp Genetics (formerly Invitae), Labcorp
Classification: Uncertain significance for Kufor-Rakeb syndrome; Autosomal recessive spastic paraplegia type 78. Last evaluated: 2021-09-16. Review status: criteria provided, single submitter. Criteria: Invitae Variant Classification Sherloc (09022015). Collection method: clinical testing. Allele origin: germline.
Comment: This variant is not present in population databases (ExAC no frequency). This sequence change replaces valine with alanine at codon 620 of the ATP13A2 protein (p.Val620Ala). The valine residue is weakly conserved and there is a small physicochemical difference between valine and alanine. This variant has not been reported in the literature in individuals affected with ATP13A2-related conditions. Advanced modeling of protein sequence and biophysical properties (such as structural, functional, and spatial information, amino acid conservation, physicochemical variation, residue mobility, and thermodynamic stability) performed at Invitae indicates that this missense variant is not expected to disrupt ATP13A2 protein function. In summary, the available evidence is currently insufficient to determine the role of this variant in disease. Therefore, it has been classified as a Variant of Uncertain Significance.